The following is an entry in ClinVar:

NM_000458.4(HNF1B):c.1206+1G>C

Gene: HNF1B (HNF1 homeobox B; minus strand). Cytogenetic location: 17q12.
Variant type: single nucleotide variant.
Coding change: c.1206+1G>C on transcript NM_000458.4 (MANE Select); the canonical splice donor site of the intron after coding-DNA position 1206, G replaced by C.
Molecular consequence: splice donor variant.
Genome position (GRCh38, 1-based): chr17:37,710,502, C>G on the plus strand (G>C on the coding strand, the complement: HNF1B is on the minus strand). VCF-style: chr17-37710502-C-G. GRCh37 (hg19) VCF-style: chr17-36070510-C-G.
Other names: c.1128+1G>C (NM_001304286.2, NM_001165923.4); c.1206+1G>C (NM_001411100.1).
Identifiers: ClinVar variation 635599 (VCV000635599.1), dbSNP rs2511723225, ClinGen allele CA398758962.

ClinVar aggregate classification (germline): Pathogenic (1 of 4 stars; one submission).

Conditions:
Renal cysts and diabetes syndrome (RCAD). Also called: Familial hypoplastic, glomerulocystic kidney; MATURITY-ONSET DIABETES OF THE YOUNG, TYPE 5. Identifiers: Orphanet 93111, MedGen C0431693, MONDO:0007669, OMIM 137920.

Submission:

Institute of Human Genetics, FAU Erlangen, Friedrich-Alexander-Universität Erlangen-Nürnberg
Classification: Pathogenic for Renal cysts and diabetes syndrome. Last evaluated: 2019-07-06. Review status: criteria provided, single submitter. Criteria: ACMG Guidelines, 2015. Collection method: literature only. Allele origin: germline. Affected: yes.
Comment: This variant and it's classification has been reported by Vasileiou et al. 2019; DOI:10.1101/576918. The variants has previously been reported in PMID:27297286 as "c.1206 + 1G > CIVS5 splicing" with clinical significance Pathogenic. It has been re-classified using InterVar and manual curation as Pathogenic based on PVS1 PM2 PP3.

Literature cited by the submitters: PubMed 27297286; DOI 10.1101/576918.